The following is an entry in ClinVar:

NM_001323289.2(CDKL5):c.826-1G>A

Gene: CDKL5 (cyclin dependent kinase like 5; plus strand). Cytogenetic location: Xp22.13.
Variant type: single nucleotide variant.
Coding change: c.826-1G>A on transcript NM_001323289.2 (MANE Select); the canonical splice acceptor site of the intron before coding-DNA position 826, G replaced by A.
Molecular consequence: splice acceptor variant.
Genome position (GRCh38, 1-based): chrX:18,598,461, G>A. VCF-style: chrX-18598461-G-A. GRCh37 (hg19) VCF-style: chrX-18616581-G-A.
Other names: c.826-1G>A (NM_003159.3, NM_001037343.2).
Identifiers: ClinVar variation 1503171 (VCV001503171.6), dbSNP rs587783149, ClinGen allele CA412355564.

ClinVar aggregate classification (germline): Likely pathogenic (1 of 4 stars; one submission).

Conditions:
Angelman syndrome-like. Identifiers: MedGen CN128785.
Developmental and epileptic encephalopathy, 2 (DEE2). Also called: INFANTILE SPASM SYNDROME, X-LINKED 2; CDKL5 deficiency disorder. Identifiers: Orphanet 1934, Orphanet 3451, Orphanet 505652, MedGen C4750718, MONDO:0010396, OMIM 300672.

Submission:

Labcorp Genetics (formerly Invitae), Labcorp
Classification: Likely pathogenic for Developmental and epileptic encephalopathy, 2; Angelman syndrome-like. Last evaluated: 2024-03-07. Review status: criteria provided, single submitter. Criteria: Invitae Variant Classification Sherloc (09022015). Collection method: clinical testing. Allele origin: germline.
Comment: This sequence change affects an acceptor splice site in intron 10 of the CDKL5 gene. It is expected to disrupt RNA splicing. Variants that disrupt the donor or acceptor splice site typically lead to a loss of protein function (PMID: 16199547), and loss-of-function variants in CDKL5 are known to be pathogenic (PMID: 22872100). This variant is not present in population databases (gnomAD no frequency). Disruption of this splice site has been observed in individual(s) with CDKL5-related conditions (PMID: 29264392, 29655203). ClinVar contains an entry for this variant (Variation ID: 1503171). Algorithms developed to predict the effect of sequence changes on RNA splicing suggest that this variant may disrupt the consensus splice site. In summary, the currently available evidence indicates that the variant is pathogenic, but additional data are needed to prove that conclusively. Therefore, this variant has been classified as Likely Pathogenic.

Literature cited by the submitters: PubMed 16199547; PubMed 22872100; PubMed 29264392; PubMed 29655203.